The following is an entry in ClinVar:

NM_000396.4(CTSK):c.134dup (p.Arg46fs)

Gene: CTSK (cathepsin K; minus strand). Cytogenetic location: 1q21.3.
Variant type: Duplication.
Coding change: c.134dup on transcript NM_000396.4 (MANE Select); coding-DNA position 134, one base duplicated (C; older notation c.134dupC).
Protein change: p.Arg46fs; shifts the reading frame from arginine 46.
Molecular consequence: frameshift variant.
Genome position (GRCh38, 1-based): chr1:150,806,211, G duplicated on the plus strand (C on the coding strand, the reverse complement: CTSK is on the minus strand). VCF-style (leftmost placement, unchanged base first): chr1-150806210-A-AG. GRCh37 (hg19) VCF-style: chr1-150778686-A-AG.
Other names: short protein forms R46fs.
Identifiers: ClinVar variation 5010332 (VCV005010332.1).

ClinVar aggregate classification (germline): Pathogenic (1 of 4 stars; one submission).

Conditions:
Pyknodysostosis. Also called: Pycnodysostosis. Identifiers: Orphanet 763, MedGen C0238402, MONDO:0009940, OMIM 265800.

Submission:

Myriad Genetics, Inc.
Classification: Pathogenic for Pyknodysostosis. Last evaluated: 2026-03-19. Review status: criteria provided, single submitter. Criteria: Myriad Autosomal Dominant, Autosomal Recessive and X-Linked Classification Criteria (2023). Collection method: clinical testing. Allele origin: unknown.
Comment: NM_000396.3(CTSK):c.134dupC(R46Sfs*16) is expected to be pathogenic in the context of pycnodysostosis. This variant is predicted to lead to an abnormal or absent protein product due to the creation of a premature termination codon in CTSK, a gene where loss-of-function variants are known to be pathogenic. Please note: this variant was assessed in the context of healthy population screening.